The following is an entry in ClinVar:

NM_177438.3(DICER1):c.4206+11del

Gene: DICER1 (dicer 1, ribonuclease III; minus strand). Cytogenetic location: 14q32.13.
Variant type: Deletion.
Coding change: c.4206+11del on transcript NM_177438.3 (MANE Select); 11 bases into the intron after coding-DNA position 4206, one base deleted (G; older notation c.4206+11delG).
Molecular consequence: intron variant.
Genome position (GRCh38, 1-based): chr14:95,099,769, C deleted on the plus strand (G on the coding strand, the reverse complement: DICER1 is on the minus strand). VCF-style (leftmost placement, unchanged base first): chr14-95099768-AC-A. GRCh37 (hg19) VCF-style: chr14-95566105-AC-A.
Other names: p.?; c.4206+11delG (NM_177438.2, NM_177438.3); c.4206+11del (NM_001291628.2, NM_030621.4, NM_001271282.3 and 1 more transcripts).
Identifiers: ClinVar variation 477182 (VCV000477182.25), dbSNP rs58202892, ClinGen allele CA7330922.

ClinVar aggregate classification (germline): Benign. Review status: criteria provided, multiple submitters, no conflicts (2 of 4 stars). 9 submissions from 9 submitters: Benign (6). 3 of the submissions do not count toward it. Last evaluated 2026-02-02.

Conditions:
DICER1-related tumor predisposition. Also called: DICER1 syndrome; DICER1-related pleuropulmonary blastoma cancer predisposition syndrome. Identifiers: Orphanet 284343, MedGen C3839822, MONDO:0100216.
Pleuropulmonary blastoma (PPB). Identifiers: Orphanet 64742, MedGen C1266144, MONDO:0011014, OMIM 601200, HP:0100528.
Global developmental delay - lung cysts - overgrowth - Wilms tumor syndrome. Also called: GLOW Syndrome; GLOBAL DEVELOPMENTAL DELAY, LUNG CYSTS, OVERGROWTH, AND WILMS TUMOR. Identifiers: MedGen C4748924, MONDO:0018445, OMIM 618272, Orphanet 404476.
Euthyroid goiter (MNG1). Also called: Goiter, multinodular 1, with or without Sertoli-Leydig cell tumors; GOITER, NONTOXIC, WITH INTRATHYROIDAL CALCIFICATION; MULTINODULAR GOITER, ADOLESCENT; SIMPLE GOITER. Identifiers: Orphanet 276399, MedGen C0302859, MONDO:0007681, OMIM 138800, HP:0009798.
Rhabdomyosarcoma, embryonal, 2 (RMSE2). Identifiers: MedGen C1867234, MONDO:0859046, OMIM 180295.

Allele frequency attached by ClinVar (database versions not stated): gnomAD exomes 0.01008; ExAC 0.04142; gnomAD 0.21617 and 0.21626.

Submissions (9):

Labcorp Genetics (formerly Invitae), Labcorp
Classification: Benign for DICER1-related tumor predisposition. Last evaluated: 2026-02-02. Review status: criteria provided, single submitter. Criteria: Invitae Variant Classification Sherloc (09022015). Collection method: clinical testing. Allele origin: germline.

Mayo Clinic Laboratories, Mayo Clinic
Classification: Benign. Last evaluated: 2025-03-07. Review status: criteria provided, single submitter. Criteria: ACMG Guidelines, 2015. Collection method: clinical testing. Allele origin: germline. Observed: 93 variant alleles.
Comment: BA1, BP4, BP7

Center for Genomic Medicine, Rigshospitalet, Copenhagen University Hospital
Classification: Benign. Last evaluated: 2025-03-04. Review status: criteria provided, single submitter. Criteria: ACMG Guidelines, 2015. Collection method: clinical testing. Allele origin: germline.

Blueprint Genetics
Classification: Benign. Last evaluated: 2024-11-27. Review status: criteria provided, single submitter. Criteria: ACMG Guidelines, 2015. Collection method: clinical testing. Allele origin: germline.

Department of Pathology and Laboratory Medicine, Sinai Health System
Classification: Benign for Euthyroid goiter; Rhabdomyosarcoma, embryonal, 2; Pleuropulmonary blastoma; Global developmental delay - lung cysts - overgrowth - Wilms tumor syndrome. Last evaluated: 2021-10-14. Review status: criteria provided, single submitter. Criteria: ACMG Guidelines, 2015. Collection method: clinical testing. Allele origin: germline.

GeneDx
Classification: Benign. Last evaluated: 2019-08-30. Review status: criteria provided, single submitter. Criteria: GeneDx Variant Classification Process June 2021. Collection method: clinical testing. Allele origin: germline. Affected: yes.

Diagnostic Laboratory, Department of Genetics, University Medical Center Groningen
Classification: Likely benign. Review status: no assertion criteria provided. Collection method: clinical testing. Allele origin: germline. Affected: yes. Study: VKGL Data-share Consensus. Not counted in ClinVar's aggregate classification.

Genome Diagnostics Laboratory, Amsterdam University Medical Center
Classification: Likely benign. Review status: no assertion criteria provided. Collection method: clinical testing. Allele origin: germline. Affected: yes. Study: VKGL Data-share Consensus. Not counted in ClinVar's aggregate classification.

Genome Diagnostics Laboratory, University Medical Center Utrecht
Classification: Benign. Review status: no assertion criteria provided. Collection method: clinical testing. Allele origin: germline. Affected: yes. Study: VKGL Data-share Consensus. Not counted in ClinVar's aggregate classification.